The following is an entry in ClinVar:

ClinVar aggregate classification (germline): Likely benign (1 of 4 stars; one submission).

Conditions:
Mitochondrial complex V (ATP synthase) deficiency, nuclear type 2. Also called: Nuclear-Encoded ATPase Deficiency, TMEM70-Related; ENCEPHALOCARDIOMYOPATHY, MITOCHONDRIAL, NEONATAL, DUE TO ATP SYNTHASE DEFICIENCY; MITOCHONDRIAL COMPLEX V (ATP SYNTHASE) DEFICIENCY, TMEM70 TYPE. Identifiers: Orphanet 1194, MedGen C3279699, MONDO:0013546, OMIM 614052.

Allele frequency attached by ClinVar (database versions not stated): 1000 Genomes Project 30x 0.00047; 1000 Genomes Project 0.00060; TOPMed 0.00235; gnomAD 0.00255 and 0.00262.
gnomAD v4.1: 1,537 of 553,102 alleles (0.28%); highest among the groups gnomAD compares: Non-Finnish European, 0.44%; 3 homozygotes.

Submission:

Illumina Laboratory Services, Illumina
Classification: Likely benign for Mitochondrial complex V (ATP synthase) deficiency, nuclear type 2. Last evaluated: 2018-01-13. Review status: criteria provided, single submitter. Criteria: ICSL Variant Classification Criteria 13 December 2019. Collection method: clinical testing. Allele origin: germline.
Comment: This variant was observed in the ICSL laboratory as part of a predisposition screen in an ostensibly healthy population. It had not been previously curated by ICSL or reported in the Human Gene Mutation Database (HGMD: prior to June 1st, 2018), and was therefore a candidate for classification through an automated scoring system. Utilizing variant allele frequency, disease prevalence and penetrance estimates, and inheritance mode, an automated score was calculated to assess if this variant is too frequent to cause the disease. Based on the score and internal cut-off values, a variant classified as likely benign is not then subjected to further curation. The score for this variant resulted in a classification of likely benign for this disease.

NM_017866.6(TMEM70):c.*571C>T

Gene: TMEM70 (transmembrane protein 70; plus strand). Cytogenetic location: 8q21.11.
Variant type: single nucleotide variant.
Coding change: c.*571C>T on transcript NM_017866.6 (MANE Select); 571 bases downstream of the stop codon, C replaced by T.
Molecular consequence: 3 prime UTR variant. On other transcripts: non-coding transcript variant (1).
Genome position (GRCh38, 1-based): chr8:73,982,192, C>T. VCF-style: chr8-73982192-C-T. GRCh37 (hg19) VCF-style: chr8-74894427-C-T.
Other names: c.*1044C>T (NM_001040613.3).
Identifiers: ClinVar variation 363704 (VCV000363704.5), dbSNP rs562758353, ClinGen allele CA4784184.